The following is an entry in ClinVar:

NM_001212.4(C1QBP):c.345G>A (p.Gly115=)

Gene: C1QBP (complement C1q binding protein; minus strand). Cytogenetic location: 17p13.2.
Variant type: single nucleotide variant.
Coding change: c.345G>A on transcript NM_001212.4 (MANE Select); coding-DNA position 345, G replaced by A.
Protein change: p.Gly115=; no amino-acid change (glycine 115 retained).
Molecular consequence: synonymous variant.
Genome position (GRCh38, 1-based): chr17:5,438,161, C>T on the plus strand (G>A on the coding strand, the complement: C1QBP is on the minus strand). VCF-style: chr17-5438161-C-T. GRCh37 (hg19) VCF-style: chr17-5341481-C-T.
Other names: c.345G>A (NM_001212.3).
Identifiers: ClinVar variation 2162711 (VCV002162711.6), dbSNP rs140681776, ClinGen allele CA8325328.

ClinVar aggregate classification (germline): Likely benign. Review status: criteria provided, single submitter (1 of 4 stars). 2 submissions from 2 submitters: Likely benign (1). 1 of the submissions does not count toward it. Last evaluated 2025-07-02.

Conditions:
C1QBP-related disorder. Also called: C1QBP-related condition.

Allele frequency attached by ClinVar (database versions not stated): ExAC 0.00003; ESP Exome Variant Server 0.00008; 1000 Genomes Project 0.00020; gnomAD 0.00020; TOPMed 0.00020; 1000 Genomes Project 30x 0.00031.
gnomAD v4.1: 48 of 1,613,058 alleles (0.003%); highest among the groups gnomAD compares: African/African-American, 0.06%; no homozygotes.

Submissions (2):

Labcorp Genetics (formerly Invitae), Labcorp
Classification: Likely benign. Last evaluated: 2025-07-02. Review status: criteria provided, single submitter. Criteria: Invitae Variant Classification Sherloc (09022015). Collection method: clinical testing. Allele origin: germline.

PreventionGenetics, part of Exact Sciences
Classification: Likely benign for C1QBP-related condition. Last evaluated: 2022-06-09. Review status: no assertion criteria provided. Collection method: clinical testing. Allele origin: germline. Not counted in ClinVar's aggregate classification.
Comment: This variant is classified as likely benign based on ACMG/AMP sequence variant interpretation guidelines (Richards et al. 2015 PMID: 25741868, with internal and published modifications).